The following is an entry in ClinVar:

ClinVar aggregate classification (germline): Uncertain significance (1 of 4 stars; one submission).

Conditions:
Dyskeratosis congenita. Identifiers: Orphanet 1775, MedGen C0265965, MONDO:0015780.

Submission:

Ambry Genetics
Classification: Uncertain significance for Dyskeratosis congenita. Last evaluated: 2022-03-14. Review status: criteria provided, single submitter. Criteria: Ambry Variant Classification Scheme 2023. Collection method: clinical testing. Allele origin: germline.
Comment: The p.R390P variant (also known as c.1169G>C), located in coding exon 2 of the TERT gene, results from a G to C substitution at nucleotide position 1169. The arginine at codon 390 is replaced by proline, an amino acid with dissimilar properties. This amino acid position is conserved. In addition, this alteration is predicted to be deleterious by in silico analysis. Since supporting evidence is limited at this time, the clinical significance of this alteration remains unclear.

NM_198253.3(TERT):c.1169G>C (p.Arg390Pro)

Gene: TERT (telomerase reverse transcriptase; minus strand). Cytogenetic location: 5p15.33.
Variant type: single nucleotide variant.
Coding change: c.1169G>C on transcript NM_198253.3 (MANE Select); coding-DNA position 1169, G replaced by C.
Protein change: p.Arg390Pro; replaces arginine 390 with proline.
Molecular consequence: missense variant. On other transcripts: non-coding transcript variant (2).
Genome position (GRCh38, 1-based): chr5:1,293,717, C>G on the plus strand (G>C on the coding strand, the complement: TERT is on the minus strand). VCF-style: chr5-1293717-C-G. GRCh37 (hg19) VCF-style: chr5-1293832-C-G.
Other names: c.1169G>C, p.Arg390Pro (NM_001193376.3, NM_003219.1); short protein forms R390P.
Identifiers: ClinVar variation 1739011 (VCV001739011.2), dbSNP rs1751155418, ClinGen allele CA359086659.